The following is an entry in ClinVar:

ClinVar aggregate classification (germline): Uncertain significance (1 of 4 stars; one submission).

Conditions:
Hereditary cancer-predisposing syndrome. Also called: Neoplastic Syndromes, Hereditary; Tumor predisposition; Hereditary neoplastic syndrome; Hereditary Cancer Syndrome. Identifiers: Orphanet 140162, MedGen C0027672, MeSH D009386, MONDO:0015356.

Submission:

Ambry Genetics
Classification: Uncertain significance for Hereditary cancer-predisposing syndrome. Last evaluated: 2024-01-19. Review status: criteria provided, single submitter. Criteria: Ambry Variant Classification Scheme 2023. Collection method: clinical testing. Allele origin: germline.
Comment: The p.L523M variant (also known as c.1567T>A), located in coding exon 9 of the BRCA1 gene, results from a T to A substitution at nucleotide position 1567. The leucine at codon 523 is replaced by methionine, an amino acid with highly similar properties. This amino acid position is well conserved in available vertebrate species. In addition, the in silico prediction for this alteration is inconclusive. Based on the available evidence, the clinical significance of this alteration remains unclear.

NM_007294.4(BRCA1):c.1567T>A (p.Leu523Met)

Gene: BRCA1 (BRCA1 DNA repair associated; minus strand). Cytogenetic location: 17q21.31.
Variant type: single nucleotide variant.
Coding change: c.1567T>A on transcript NM_007294.4 (MANE Select); coding-DNA position 1567, T replaced by A.
Protein change: p.Leu523Met; replaces leucine 523 with methionine.
Molecular consequence: missense variant. On other transcripts: intron variant (137).
Genome position (GRCh38, 1-based): chr17:43,093,964, A>T on the plus strand (T>A on the coding strand, the complement: BRCA1 is on the minus strand). VCF-style: chr17-43093964-A-T. GRCh37 (hg19) VCF-style: chr17-41245981-A-T.
Other names: c.1441T>A, p.Leu481Met (NM_001407689.1, NM_001407690.1, NM_001407691.1 and 11 more transcripts); c.1567T>A, p.Leu523Met (NM_001407585.1, NM_001407593.1, NM_001407594.1 and 30 more transcripts); c.1564T>A, p.Leu522Met (NM_001407587.1, NM_001407590.1, NM_001407591.1 and 22 more transcripts); c.1426T>A, p.Leu476Met (NM_001407692.1, NM_001407694.1, NM_001407695.1 and 29 more transcripts); c.1423T>A, p.Leu475Met (NM_001407740.1, NM_001407741.1, NM_001407742.1 and 20 more transcripts); c.1354T>A, p.Leu452Met (NM_001407853.1, NM_001407894.1, NM_001407895.1 and 9 more transcripts); c.1366T>A, p.Leu456Met (NM_001407862.1); c.1444T>A, p.Leu482Met (NM_001407863.1, NM_001407919.1, NM_001407937.1 and 19 more transcripts); and 40 more; short protein forms L227M, L355M, L395M, L396M, L411M, L412M, L434M, L435M.
Identifiers: ClinVar variation 3226105 (VCV003226105.1), dbSNP rs754398271, ClinGen allele CA10598910.